The following is an entry in ClinVar:

ClinVar aggregate classification (germline): Pathogenic (1 of 4 stars; one submission).

Conditions:
X-linked severe congenital neutropenia (SCNX). Identifiers: Orphanet 86788, MedGen C1845987, MONDO:0010294, OMIM 300299.
Thrombocytopenia 1. Also called: THROMBOCYTOPENIA, X-LINKED, 1; X-linked thrombocytopenia with normal platelets; X-Linked Thrombocytopenia (XLT). Identifiers: Orphanet 268322, Orphanet 852, MedGen C1839163, MONDO:0010743, OMIM 313900.
Wiskott-Aldrich syndrome (WAS). Also called: ALDRICH SYNDROME; IMMUNODEFICIENCY 2; Wiskott-aldrich syndrome, somatic; WISKOTT-ALDRICH SYNDROME 1. Identifiers: Orphanet 906, MedGen C0043194, MONDO:0010518, OMIM 301000.

Submission:

Juno Genomics, Hangzhou Juno Genomics, Inc
Classification: Pathogenic for X-linked severe congenital neutropenia; Thrombocytopenia 1; Wiskott-Aldrich syndrome. Review status: criteria provided, single submitter. Criteria: ACMG Guidelines, 2015. Collection method: clinical testing. Allele origin: germline. Affected: yes.
Comment: Absent from controls (or at extremely low frequency if recessive) in Genome Aggregation Database, Exome Sequencing Project, 1000 Genomes Project, or Exome Aggregation Consortium.;Null variant in a gene where loss of function (LOF) is a known mechanism of disease.;The prevalence of the variant in affected individuals is significantly increased compared to the prevalence in controls.

NM_000377.3(WAS):c.931+1G>A

Gene: WAS (WASP actin nucleation promoting factor; plus strand). Cytogenetic location: Xp11.23.
Variant type: single nucleotide variant.
Coding change: c.931+1G>A on transcript NM_000377.3 (MANE Select); the canonical splice donor site of the intron after coding-DNA position 931, G replaced by A.
Molecular consequence: splice donor variant.
Genome position (GRCh38, 1-based): chrX:48,688,454, G>A. VCF-style: chrX-48688454-G-A. GRCh37 (hg19) VCF-style: chrX-48546843-G-A.
Identifiers: ClinVar variation 3767126 (VCV003767126.2).